The following is an entry in ClinVar:

NM_000553.6(WRN):c.97-14T>C

Gene: WRN (WRN RecQ like helicase; plus strand). Cytogenetic location: 8p12.
Variant type: single nucleotide variant.
Coding change: c.97-14T>C on transcript NM_000553.6 (MANE Select); 14 bases into the intron before coding-DNA position 97, T replaced by C.
Molecular consequence: intron variant.
Genome position (GRCh38, 1-based): chr8:31,059,139, T>C. VCF-style: chr8-31059139-T-C. GRCh37 (hg19) VCF-style: chr8-30916655-T-C.
Identifiers: ClinVar variation 2081993 (VCV002081993.1), dbSNP rs2487269043, ClinGen allele CA2580078128.

ClinVar aggregate classification (germline): Uncertain significance (1 of 4 stars; one submission).

Conditions:
Werner syndrome (WRN). Identifiers: Orphanet 902, MedGen C0043119, MONDO:0010196, OMIM 277700.

Allele frequency attached by ClinVar (database versions not stated): gnomAD exomes below 0.00001.
gnomAD v4.1: 1 of 1,602,598 alleles (0.000062%); highest among the groups gnomAD compares: Non-Finnish European, 0.000086%; no homozygotes.

Submission:

Labcorp Genetics (formerly Invitae), Labcorp
Classification: Uncertain significance for Werner syndrome. Last evaluated: 2022-10-12. Review status: criteria provided, single submitter. Criteria: Invitae Variant Classification Sherloc (09022015). Collection method: clinical testing. Allele origin: germline.
Comment: This sequence change falls in intron 2 of the WRN gene. It does not directly change the encoded amino acid sequence of the WRN protein. This variant is not present in population databases (gnomAD no frequency). This variant has not been reported in the literature in individuals affected with WRN-related conditions. Algorithms developed to predict the effect of sequence changes on RNA splicing suggest that this variant may create or strengthen a splice site. In summary, the available evidence is currently insufficient to determine the role of this variant in disease. Therefore, it has been classified as a Variant of Uncertain Significance.